The following is an entry in ClinVar:

ClinVar aggregate classification (germline): Likely benign. Review status: criteria provided, multiple submitters, no conflicts (2 of 4 stars). 3 submissions from 3 submitters: Likely benign (3). Last evaluated 2026-02-01.

Allele frequency attached by ClinVar (database versions not stated): ESP Exome Variant Server 0.00008; gnomAD exomes 0.00009 and 0.00018; TOPMed 0.00011; ExAC 0.00015.
gnomAD v4.1: 151 of 1,605,330 alleles (0.0094%); highest among the groups gnomAD compares: Middle Eastern, 0.016%; no homozygotes.

Submissions (3):

CeGaT Center for Human Genetics Tuebingen
Classification: Likely benign. Last evaluated: 2026-02-01. Review status: criteria provided, single submitter. Criteria: CeGaT Center For Human Genetics Tuebingen Variant Classification Criteria Version 2. Collection method: clinical testing. Allele origin: germline. Affected: yes. Observed: 1 variant allele.
Comment: C5: BP4

Labcorp Genetics (formerly Invitae), Labcorp
Classification: Likely benign. Last evaluated: 2025-08-25. Review status: criteria provided, single submitter. Criteria: Invitae Variant Classification Sherloc (09022015). Collection method: clinical testing. Allele origin: germline.

Ambry Genetics
Classification: Likely benign. Last evaluated: 2022-12-19. Review status: criteria provided, single submitter. Criteria: Ambry Variant Classification Scheme 2023. Collection method: clinical testing. Allele origin: germline.

NM_001735.3(C5):c.2017C>A (p.Leu673Ile)

Gene: C5 (complement C5; minus strand). Cytogenetic location: 9q33.2.
Variant type: single nucleotide variant.
Coding change: c.2017C>A on transcript NM_001735.3 (MANE Select); coding-DNA position 2017, C replaced by A.
Protein change: p.Leu673Ile; replaces leucine 673 with isoleucine.
Molecular consequence: missense variant.
Genome position (GRCh38, 1-based): chr9:121,015,241, G>T on the plus strand (C>A on the coding strand, the complement: C5 is on the minus strand). VCF-style: chr9-121015241-G-T. GRCh37 (hg19) VCF-style: chr9-123777519-G-T.
Other names: c.2035C>A, p.Leu679Ile (NM_001317163.2); c.2017C>A, p.Leu673Ile (NM_001317164.2); c.2017C>A (NM_001735.2); short protein forms L673I, L679I.
Identifiers: ClinVar variation 1452844 (VCV001452844.13), dbSNP rs369245774, ClinGen allele CA5217900.